The following is an entry in ClinVar:

NM_000478.6(ALPL):c.571G>A (p.Glu191Lys)

Gene: ALPL (alkaline phosphatase, biomineralization associated; plus strand). Cytogenetic location: 1p36.12.
Variant type: single nucleotide variant.
Coding change: c.571G>A on transcript NM_000478.6 (MANE Select); coding-DNA position 571, G replaced by A.
Protein change: p.Glu191Lys; replaces glutamic acid 191 with lysine.
Molecular consequence: missense variant.
Genome position (GRCh38, 1-based): chr1:21,564,139, G>A. VCF-style: chr1-21564139-G-A. GRCh37 (hg19) VCF-style: chr1-21890632-G-A.
Other names: E174K; c.406G>A, p.Glu136Lys (NM_001127501.4); c.340G>A, p.Glu114Lys (NM_001177520.3); c.571G>A, p.Glu191Lys (NM_001369803.2, NM_001369804.2, NM_001369805.2); short protein forms E191K, E114K, E136K.
Identifiers: ClinVar variation 13670 (VCV000013670.108), dbSNP rs121918007, ClinGen allele CA256927.

ClinVar aggregate classification (germline): Pathogenic/Likely pathogenic. Review status: criteria provided, multiple submitters, no conflicts (2 of 4 stars). 49 submissions from 46 submitters: Pathogenic (35); Likely pathogenic (1). 13 of the submissions do not count toward it. Last evaluated 2026-11-25.

Conditions:
Hypophosphataemia or rickets.
ALPL-related disorder. Also called: ALPL-related disorders; ALPL-related condition.
ALPL-related autosomal dominant hypophosphatasia. Identifiers: MedGen CN379220, MONDO:0100608.
Fetal anomalies with a likely genetic cause.
Inborn genetic diseases. Identifiers: MedGen C0950123, MeSH D030342.
Infantile hypophosphatasia. Identifiers: Orphanet 247651, Orphanet 436, MedGen C0268412, MONDO:1010169, OMIM 241500, MONDO:0009427.
Childhood hypophosphatasia. Identifiers: Orphanet 247667, Orphanet 436, MedGen C0220743, MONDO:1010168, OMIM 241510, MONDO:0009428.
Adult hypophosphatasia. Identifiers: Orphanet 247676, Orphanet 436, MedGen C0268413, MONDO:1010154, OMIM 146300, MONDO:0007798.
Hypophosphatasia. Also called: Phosphoethanol-aminuria. Identifiers: Orphanet 436, MedGen C0020630, MeSH D007014, MONDO:0018570.
Osteogenesis imperfecta (OI). Identifiers: Orphanet 666, MedGen C0029434, MeSH D010013, MONDO:0019019.
Odontohypophosphatasia. Identifiers: Orphanet 247685, MedGen C1840322, MONDO:0016607.

Allele frequency attached by ClinVar (database versions not stated): TOPMed 0.00065; 1000 Genomes Project 0.00080; gnomAD 0.00190 and 0.00200; 1000 Genomes Project 30x 0.00062; ExAC 0.00258.

Submissions 1 to 7 of 49:

Genetics Laboratory, Great Ormond Street Hospital NHS Foundation Trust, North Thames Genomic Laboratory Hub
Classification: Pathogenic for Fetal anomalies with a likely genetic cause. Last evaluated: 2026-11-25. Review status: criteria provided, single submitter. Criteria: ACGS Best Practice Guidelines for Variant Classification in Rare Disease 2024 v1.2. Collection method: clinical testing. Allele origin: germline. Affected: yes.
Comment: Classification changed to Pathogenic following advice from another NHS GLH. However, the variant is only to be reported in patients with clinical features consistent with ALPL-related disease. If seen as an incidental finding, the variant will not be reported as there are reports of variable severity and incomplete penetrance.

PreventionGenetics, part of Exact Sciences
Classification: Pathogenic for ALPL-related condition. Last evaluated: 2026-09-22. Review status: criteria provided, single submitter. Criteria: ACMG Guidelines, 2015. Collection method: clinical testing. Allele origin: germline.
Comment: The ALPL c.571G>A variant is predicted to result in the amino acid substitution p.Glu191Lys. This variant, alternatively referred to as p.Glu174Lys using legacy nomenclature, has been reported in the compound heterozygous state in numerous individuals with hypophosphatasia (HPP), predominantly childhood, adult and odontohypophosphatasia forms (see, for example, Henthorn et al. 1992. PubMed ID: 1409720, reported as 747A (p.Glu174Lys); Fauvert et al. 2009. PubMed ID: 19500388; Hofmann et al. 2014. PubMed ID: 24569605). It has also been reported in the heterozygous state in individuals with odontohypophosphatasia (Fauvert et al. 2009. PubMed ID: 19500388). This variant was also shown to segregate with HPP in two families (Henthorn et al. 1992. PubMed ID: 1409720; Hofmann et al. 2014. PubMed ID: 24569605). Functional studies using COS7 and HEK293 cells show mild reduction in tissue non-specific alkaline phosphatase (TNSALP) activity and also indicate this variant does not result in a dominant-negative effect. It is speculated that phenotypic variability is related to either an unidentified second variant or varying alkaline phosphatase tolerance thresholds (Fauvert et al. 2009. PubMed ID: 19500388; Hofmann et al. 2014. PubMed ID: 24569605). An alternate nucleotide change affecting the same amino acid, p.Glu191Gly (p.Glu174Gly using legacy nomenclature), has been reported in a patient with HPP (Goseki-Sone et al. 1998. PubMed ID: 9452105, reported as p.Glu174Gly; Michigami et al. 2019. PubMed ID: 31707452). This variant is reported in 1.7% of alleles in individuals of European (Finnish) descent in gnomAD, including 5 homozygotes. Reduced penetrance and expressivity is known in ALPL-related disease. This variant is interpreted as pathogenic.

Ambry Genetics
Classification: Pathogenic for Inborn genetic diseases. Last evaluated: 2026-08-07. Review status: criteria provided, single submitter. Criteria: Ambry Variant Classification Scheme 2023. Collection method: clinical testing. Allele origin: germline.
Comment: The c.571G>A (p.E191K) alteration is located in exon 6 (coding exon 5) of the ALPL gene. This alteration results from a G to A substitution at nucleotide position 571, causing the glutamic acid (E) at amino acid position 191 to be replaced by a lysine (K). for autosomal dominant/autosomal recessive ALPL-related hypophosphatasia (loss of function mechanism of disease); however, its clinical significance for autosomal dominant ALPL-related hypophosphatasia (dominant negative mechanism of disease) is uncertain. Based on data from gnomAD, the A allele has an overall frequency of 0.25% (699/282574) total alleles studied. The highest observed frequency was 1.65% (414/25032) of European (Finnish) alleles. This variant, also described as E174K in literature, is a common founder mutation accounting for up to approximately 10% of disease-causing mutations in the ALPL gene (H&eacute;rasse, 2002; Mornet, 2021). This variant has been reported in the heterozygous (Hofmann, 2014; Taillandier, 2018; Mornet, 2021; Ambry internal data) and compound heterozygous (Henthorn, 1992; Schalin-J&auml;ntti, 2010; Hofmann, 2014; Zurutuza, 1999; Mornet, 2021; Sperelakis-Beedham, 2021) states in individuals with hypophosphatasia and low alkaline phosphatase, with the clinical severity correlating with degree of loss of function. This amino acid position is not well conserved in available vertebrate species. Multiple in vitro functional studies using transient expression in cells show slightly reduced activity consistent with a mild loss of function allele based on comparison to wild type and pathogenic controls (Hofmann, 2014; Zurutuza, 1999; Del Angel, 2020). This alteration is predicted to be deleterious by in silico analysis. Based on the available evidence, this alteration is classified as pathogenic.

CeGaT Center for Human Genetics Tuebingen
Classification: Pathogenic. Last evaluated: 2026-07-01. Review status: criteria provided, single submitter. Criteria: CeGaT Center For Human Genetics Tuebingen Variant Classification Criteria Version 2. Collection method: clinical testing. Allele origin: germline. Affected: yes. Observed: 15 variant alleles.
Comment: ALPL: PM3:Very Strong, PM5, PP4:Moderate, PM2:Supporting, PP3, PS3:Supporting

Cambridge Genomics Laboratory, East Genomic Laboratory Hub, NHS Genomic Medicine Service
Classification: Pathogenic for Hypophosphataemia or rickets. Last evaluated: 2026-04-27. Review status: criteria provided, single submitter. Criteria: ACGS Best Practice Guidelines for Variant Classification in Rare Disease 2020. Collection method: clinical testing. Allele origin: germline. Affected: yes.
Comment: PS3_Moderate,PM1_Supporting,PM5,PP1_Moderate,PP3,PP4_Strong

Dasa
Classification: Pathogenic. Last evaluated: 2026-04-16. Review status: criteria provided, single submitter. Criteria: DASA Assertion Criteria. Collection method: clinical testing. Allele origin: germline.
Comment: NM_000478.6(ALPL):c.571G>A (p.Glu191Lys) is a missense variant that results in the substitution of glutamic acid with lysine. The affected residue or protein region has prior evidence supporting clinical relevance. Segregation evidence has been reported in affected families. This variant has been observed in affected individuals with related phenotype in a genotype context consistent with recessive disease (PMID: 12357339; PMID: 15671102; PMID: 24569605; PMID: 19500388). Functional evidence supports a deleterious effect on the gene or gene product (PMID: 12357339; PMID: 15671102; PMID: 24569605; PMID: 19500388). This variant has been recurrently observed in individuals with related phenotype (PMID: 12357339; PMID: 15671102; PMID: 24569605; PMID: 19500388). Multiple computational predictions support a deleterious effect on the gene or gene product. The variant is present at low frequency in population datasets. Based on the available data, this variant is classified as pathogenic.

Labcorp Genetics (formerly Invitae), Labcorp
Classification: Pathogenic. Last evaluated: 2026-01-27. Review status: criteria provided, single submitter. Criteria: Invitae Variant Classification Sherloc (09022015). Collection method: clinical testing. Allele origin: germline.
Comment: This sequence change replaces glutamic acid, which is acidic and polar, with lysine, which is basic and polar, at codon 191 of the ALPL protein (p.Glu191Lys). This variant is present in population databases (rs121918007, gnomAD 1.7%), and has an allele count higher than expected for a pathogenic variant. This missense change has been observed in individuals with hypophosphatasia (PMID: 12357339, 15671102, 24569605). It has also been observed to segregate with disease in related individuals. This variant is also known as p.Glu174Lys. ClinVar contains an entry for this variant (Variation ID: 13670). Invitae Evidence Modeling of protein sequence and biophysical properties (such as structural, functional, and spatial information, amino acid conservation, physicochemical variation, residue mobility, and thermodynamic stability) indicates that this missense variant is expected to disrupt ALPL protein function with a positive predictive value of 95%. Experimental studies have shown that this missense change affects ALPL function (PMID: 1409720, 20739387, 24569605). For these reasons, this variant has been classified as Pathogenic.